The following is an entry in ClinVar:

NM_004370.6(COL12A1):c.1741C>A (p.Arg581Ser)

Gene: COL12A1 (collagen type XII alpha 1 chain; minus strand). Cytogenetic location: 6q13.
Variant type: single nucleotide variant.
Coding change: c.1741C>A on transcript NM_004370.6 (MANE Select); coding-DNA position 1741, C replaced by A.
Protein change: p.Arg581Ser; replaces arginine 581 with serine.
Molecular consequence: missense variant. On other transcripts: intron variant (1).
Genome position (GRCh38, 1-based): chr6:75,183,200, G>T on the plus strand (C>A on the coding strand, the complement: COL12A1 is on the minus strand). VCF-style: chr6-75183200-G-T. GRCh37 (hg19) VCF-style: chr6-75892916-G-T.
Other names: c.73+19520C>A (NM_080645.3); short protein forms R581S.
Identifiers: ClinVar variation 2068890 (VCV002068890.4), dbSNP rs764727126, ClinGen allele CA364768715.

ClinVar aggregate classification (germline): Uncertain significance (1 of 4 stars; one submission).

Conditions:
Ullrich congenital muscular dystrophy 2 (UCMD2). Identifiers: Orphanet 75840, MedGen C4225314, MONDO:0014654, OMIM 616470.
Bethlem myopathy 2 (BTHLM2). Identifiers: Orphanet 536516, Orphanet 610, MedGen C4225313, MONDO:0034022, OMIM 616471.

gnomAD v4.1: 8 of 1,614,040 alleles (0.0005%); highest among the groups gnomAD compares: African/African-American, 0.0027%; no homozygotes.

Submission:

Labcorp Genetics (formerly Invitae), Labcorp
Classification: Uncertain significance for Bethlem myopathy 2; Ullrich congenital muscular dystrophy 2. Last evaluated: 2024-11-21. Review status: criteria provided, single submitter. Criteria: Invitae Variant Classification Sherloc (09022015). Collection method: clinical testing. Allele origin: germline.
Comment: This sequence change replaces arginine, which is basic and polar, with serine, which is neutral and polar, at codon 581 of the COL12A1 protein (p.Arg581Ser). This variant is not present in population databases (gnomAD no frequency). This variant has not been reported in the literature in individuals affected with COL12A1-related conditions. ClinVar contains an entry for this variant (Variation ID: 2068890). Invitae Evidence Modeling of protein sequence and biophysical properties (such as structural, functional, and spatial information, amino acid conservation, physicochemical variation, residue mobility, and thermodynamic stability) indicates that this missense variant is expected to disrupt COL12A1 protein function with a positive predictive value of 80%. In summary, the available evidence is currently insufficient to determine the role of this variant in disease. Therefore, it has been classified as a Variant of Uncertain Significance.